The following is an entry in ClinVar:

NM_024120.5(NDUFAF5):c.114C>A (p.Ser38Arg)

Genes: NDUFAF5 (NADH:ubiquinone oxidoreductase complex assembly factor 5; plus strand), LOC130065433 (ATAC-STARR-seq lymphoblastoid active region 17552; plus strand). Cytogenetic location: 20p12.1.
Variant type: single nucleotide variant.
Coding change: c.114C>A on transcript NM_024120.5 (MANE Select); coding-DNA position 114, C replaced by A.
Protein change: p.Ser38Arg; replaces serine 38 with arginine.
Molecular consequence: missense variant. On other transcripts: 5 prime UTR variant (3), non-coding transcript variant (7).
Genome position (GRCh38, 1-based): chr20:13,785,182, C>A. VCF-style: chr20-13785182-C-A. GRCh37 (hg19) VCF-style: chr20-13765828-C-A.
Other names: p.S38R:AGC>AGA; c.114C>A, p.Ser38Arg (NM_001039375.3, NM_001352408.2); c.-254C>A (NM_001352403.2); c.-468C>A (NM_001352406.2); c.-582C>A (NM_001352407.2); short protein forms S38R.
Identifiers: ClinVar variation 214201 (VCV000214201.6), dbSNP rs369277594, ClinGen allele CA320041.

ClinVar aggregate classification (germline): Uncertain significance. Review status: criteria provided, multiple submitters, no conflicts (2 of 4 stars). 4 submissions from 4 submitters: Uncertain significance (3). 1 of the submissions does not count toward it. Last evaluated 2024-09-04.

Conditions:
Inborn genetic diseases. Identifiers: MedGen C0950123, MeSH D030342.
Mitochondrial complex I deficiency. Also called: NADH:Q(1) OXIDOREDUCTASE DEFICIENCY. Identifiers: Orphanet 2609, MedGen C1838979, MeSH C537475, MONDO:0100133.

Allele frequency attached by ClinVar (database versions not stated): TOPMed 0.00001; ESP Exome Variant Server 0.00008.
gnomAD v4.1: 61 of 1,613,770 alleles (0.0038%); highest among the groups gnomAD compares: Non-Finnish European, 0.0049%; no homozygotes.

Submissions (4):

Ambry Genetics
Classification: Uncertain significance for Inborn genetic diseases. Last evaluated: 2024-09-04. Review status: criteria provided, single submitter. Criteria: Ambry Variant Classification Scheme 2023. Collection method: clinical testing. Allele origin: germline.

Labcorp Genetics (formerly Invitae), Labcorp
Classification: Uncertain significance. Last evaluated: 2022-08-05. Review status: criteria provided, single submitter. Criteria: Invitae Variant Classification Sherloc (09022015). Collection method: clinical testing. Allele origin: germline.
Comment: This sequence change replaces serine, which is neutral and polar, with arginine, which is basic and polar, at codon 38 of the NDUFAF5 protein (p.Ser38Arg). This variant is present in population databases (rs369277594, gnomAD 0.006%). This variant has not been reported in the literature in individuals affected with NDUFAF5-related conditions. ClinVar contains an entry for this variant (Variation ID: 214201). Algorithms developed to predict the effect of missense changes on protein structure and function output the following: SIFT: "Tolerated"; PolyPhen-2: "Benign"; Align-GVGD: "Class C0". The arginine amino acid residue is found in multiple mammalian species, which suggests that this missense change does not adversely affect protein function. In summary, the available evidence is currently insufficient to determine the role of this variant in disease. Therefore, it has been classified as a Variant of Uncertain Significance.

GeneDx
Classification: Uncertain significance. Last evaluated: 2018-09-27. Review status: criteria provided, single submitter. Criteria: GeneDx Variant Classification (06012015). Collection method: clinical testing. Allele origin: germline. Affected: yes.
Comment: p.Ser38Arg (AGC>AGA): c.114 C>A in exon 1 of the C20ORF7 gene (NM_024120.3). The S38R missense substitution has not been published as a mutation, nor has it been reported as a benign polymorphism to our knowledge. The amino acid change is non-conservative in that a small, uncharged Serine residue is replaced by a large, positively charged Arginine residue. This change occurs at a position in the C20ORF7 protein that is not highly conserved. Multiple in-silico analysis programs predict that S38R is a benign sequence change. Therefore, based on the currently available information, it is unclear whether S38R is a disease-causing mutation or a rare benign variant. The variant is found in MITONUC-MITOP panel(s).

Natera, Inc.
Classification: Uncertain significance for Mitochondrial complex I deficiency. Last evaluated: 2021-03-18. Review status: no assertion criteria provided. Collection method: clinical testing. Allele origin: germline. Not counted in ClinVar's aggregate classification.